The following is an entry in ClinVar:

ClinVar aggregate classification (germline): Uncertain significance (1 of 4 stars; one submission).

Submission:

Labcorp Genetics (formerly Invitae), Labcorp
Classification: Uncertain significance. Last evaluated: 2022-09-03. Review status: criteria provided, single submitter. Criteria: Invitae Variant Classification Sherloc (09022015). Collection method: clinical testing. Allele origin: germline.
Comment: This variant is not present in population databases (gnomAD no frequency). This sequence change falls in intron 8 of the KRT5 gene. It does not directly change the encoded amino acid sequence of the KRT5 protein. It affects a nucleotide within the consensus splice site. This variant has not been reported in the literature in individuals affected with KRT5-related conditions. In summary, the available evidence is currently insufficient to determine the role of this variant in disease. Therefore, it has been classified as a Variant of Uncertain Significance. Variants that disrupt the consensus splice site are a relatively common cause of aberrant splicing (PMID: 17576681, 9536098). Algorithms developed to predict the effect of sequence changes on RNA splicing suggest that this variant may disrupt the consensus splice site.

Literature cited by the submitters: PubMed 17576681; PubMed 9536098.

NM_000424.4(KRT5):c.1474+1G>T

Gene: KRT5 (keratin 5; minus strand). Cytogenetic location: 12q13.13.
Variant type: single nucleotide variant.
Coding change: c.1474+1G>T on transcript NM_000424.4 (MANE Select); the canonical splice donor site of the intron after coding-DNA position 1474, G replaced by T.
Molecular consequence: splice donor variant.
Genome position (GRCh38, 1-based): chr12:52,515,797, C>A on the plus strand (G>T on the coding strand, the complement: KRT5 is on the minus strand). VCF-style: chr12-52515797-C-A. GRCh37 (hg19) VCF-style: chr12-52909581-C-A.
Identifiers: ClinVar variation 2028735 (VCV002028735.4), dbSNP rs112071268, ClinGen allele CA384922972.
Genomic context (GRCh38, chr12:52,515,797, plus strand): 5'-AGTTGGCACTAAATATATCCCATATTATTGTCGTTGTTAATGTCTGTTCAAAGCTACTTA[C>A]AGATGTTGACTGGTCCAACTCCTTCTCCACTGAGTCTGAAAGGGGAAAAATTGAATTAAG-3'